The following is an entry in ClinVar:

ClinVar aggregate classification (germline): Uncertain significance (1 of 4 stars; one submission).

Conditions:
RPGRIP1L-related disorder. Also called: RPGRIP1L-related condition; RPGRIP1L-related disorders. Identifiers: MedGen CN239416.

gnomAD v4.1: 8 of 1,613,896 alleles (0.0005%); highest among the groups gnomAD compares: African/African-American, 0.0067%; no homozygotes.

Submission:

PreventionGenetics, part of Exact Sciences
Classification: Uncertain significance for RPGRIP1L-related condition. Last evaluated: 2026-08-11. Review status: criteria provided, single submitter. Criteria: ACMG Guidelines, 2015. Collection method: clinical testing. Allele origin: germline.
Comment: The RPGRIP1L c.3893C>T variant is predicted to result in the amino acid substitution p.Ala1298Val. To our knowledge, this variant has not been reported in the literature. This variant is reported in 0.0062% of alleles in individuals of African descent in gnomAD. At this time, the clinical significance of this variant is uncertain due to the absence of conclusive functional and genetic evidence.

NM_015272.5(RPGRIP1L):c.3893C>T (p.Ala1298Val)

Gene: RPGRIP1L (RPGRIP1 like; minus strand). Cytogenetic location: 16q12.2.
Variant type: single nucleotide variant.
Coding change: c.3893C>T on transcript NM_015272.5 (MANE Select); coding-DNA position 3893, C replaced by T.
Protein change: p.Ala1298Val; replaces alanine 1298 with valine.
Molecular consequence: missense variant.
Genome position (GRCh38, 1-based): chr16:53,602,131, G>A on the plus strand (C>T on the coding strand, the complement: RPGRIP1L is on the minus strand). VCF-style: chr16-53602131-G-A. GRCh37 (hg19) VCF-style: chr16-53636043-G-A.
Other names: c.3653C>T, p.Ala1218Val (NM_001127897.4); c.3755C>T, p.Ala1252Val (NM_001308334.3); c.3791C>T, p.Ala1264Val (NM_001330538.2); short protein forms A1264V, A1298V, A1252V, A1218V.
Identifiers: ClinVar variation 4980015 (VCV004980015.1).